The following is an entry in ClinVar:

NM_144631.6(ZNF513):c.248G>A (p.Gly83Glu)

Gene: ZNF513 (zinc finger protein 513; minus strand). Cytogenetic location: 2p23.3.
Variant type: single nucleotide variant.
Coding change: c.248G>A on transcript NM_144631.6 (MANE Select); coding-DNA position 248, G replaced by A.
Protein change: p.Gly83Glu; replaces glycine 83 with glutamic acid.
Molecular consequence: missense variant.
Genome position (GRCh38, 1-based): chr2:27,379,018, C>T on the plus strand (G>A on the coding strand, the complement: ZNF513 is on the minus strand). VCF-style: chr2-27379018-C-T. GRCh37 (hg19) VCF-style: chr2-27601885-C-T.
Other names: c.62G>A, p.Gly21Glu (NM_001201459.2); short protein forms G21E, G83E.
Identifiers: ClinVar variation 1940414 (VCV001940414.5), dbSNP rs2465626230, ClinGen allele CA346218752.

ClinVar aggregate classification (germline): Uncertain significance (1 of 4 stars; one submission).

Submission:

Labcorp Genetics (formerly Invitae), Labcorp
Classification: Uncertain significance. Last evaluated: 2022-07-05. Review status: criteria provided, single submitter. Criteria: Invitae Variant Classification Sherloc (09022015). Collection method: clinical testing. Allele origin: germline.
Comment: In summary, the available evidence is currently insufficient to determine the role of this variant in disease. Therefore, it has been classified as a Variant of Uncertain Significance. Algorithms developed to predict the effect of missense changes on protein structure and function (SIFT, PolyPhen-2, Align-GVGD) all suggest that this variant is likely to be disruptive. This variant has not been reported in the literature in individuals affected with ZNF513-related conditions. This variant is not present in population databases (gnomAD no frequency). This sequence change replaces glycine, which is neutral and non-polar, with glutamic acid, which is acidic and polar, at codon 83 of the ZNF513 protein (p.Gly83Glu).